The following is an entry in ClinVar:

ClinVar aggregate classification (germline): Uncertain significance (1 of 4 stars; one submission).

Conditions:
EGFR-related lung cancer (EGFR). Identifiers: MedGen CN130014.

Submission:

Labcorp Genetics (formerly Invitae), Labcorp
Classification: Uncertain significance for EGFR-related lung cancer. Last evaluated: 2022-11-06. Review status: criteria provided, single submitter. Criteria: Invitae Variant Classification Sherloc (09022015). Collection method: clinical testing. Allele origin: germline.
Comment: In summary, the available evidence is currently insufficient to determine the role of this variant in disease. Therefore, it has been classified as a Variant of Uncertain Significance. Advanced modeling of protein sequence and biophysical properties (such as structural, functional, and spatial information, amino acid conservation, physicochemical variation, residue mobility, and thermodynamic stability) performed at Invitae indicates that this missense variant is not expected to disrupt EGFR protein function. This variant has not been reported in the literature in individuals affected with EGFR-related conditions. This variant is not present in population databases (gnomAD no frequency). This sequence change replaces proline, which is neutral and non-polar, with serine, which is neutral and polar, at codon 1019 of the EGFR protein (p.Pro1019Ser).

NM_005228.5(EGFR):c.3055C>T (p.Pro1019Ser)

Gene: EGFR (epidermal growth factor receptor; plus strand). Cytogenetic location: 7p11.2.
Variant type: single nucleotide variant.
Coding change: c.3055C>T on transcript NM_005228.5 (MANE Select); coding-DNA position 3055, C replaced by T.
Protein change: p.Pro1019Ser; replaces proline 1019 with serine.
Molecular consequence: missense variant.
Genome position (GRCh38, 1-based): chr7:55,201,296, C>T. VCF-style: chr7-55201296-C-T. GRCh37 (hg19) VCF-style: chr7-55268989-C-T.
Other names: c.2920C>T, p.Pro974Ser (NM_001346897.2, NM_001346899.2); c.3055C>T, p.Pro1019Ser (NM_001346898.2); c.2896C>T, p.Pro966Ser (NM_001346900.2); c.2254C>T, p.Pro752Ser (NM_001346941.2); short protein forms P1019S, P752S, P966S, P974S.
Identifiers: ClinVar variation 2812485 (VCV002812485.3), dbSNP rs1562805765, ClinGen allele CA367582575.
Genomic context (GRCh38, chr7:55,201,296, plus strand): 5'-CGTGCCCTGATGGATGAAGAAGACATGGACGACGTGGTGGATGCCGACGAGTACCTCATC[C>T]CACAGCAGGGCTTCTTCAGCAGCCCCTCCACGTCACGGACTCCCCTCCTGAGCTCTCTGG-3'
Protein context (NP_005219.2, residues 1009-1029): DVVDADEYLI[Pro1019Ser]QQGFFSSPST